The following is an entry in ClinVar:

NM_177438.3(DICER1):c.851G>A (p.Cys284Tyr)

Gene: DICER1 (dicer 1, ribonuclease III; minus strand). Cytogenetic location: 14q32.13.
Variant type: single nucleotide variant.
Coding change: c.851G>A on transcript NM_177438.3 (MANE Select); coding-DNA position 851, G replaced by A.
Protein change: p.Cys284Tyr; replaces cysteine 284 with tyrosine.
Molecular consequence: missense variant.
Genome position (GRCh38, 1-based): chr14:95,126,632, C>T on the plus strand (G>A on the coding strand, the complement: DICER1 is on the minus strand). VCF-style: chr14-95126632-C-T. GRCh37 (hg19) VCF-style: chr14-95592969-C-T.
Other names: c.851G>A, p.Cys284Tyr (NM_001195573.1, NM_001271282.3, NM_001291628.2 and 1 more transcripts); short protein forms C284Y.
Identifiers: ClinVar variation 574484 (VCV000574484.13), dbSNP rs1566806728, ClinGen allele CA390887533.

ClinVar aggregate classification (germline): Uncertain significance. Review status: criteria provided, multiple submitters, no conflicts (2 of 4 stars). 2 submissions from 2 submitters: Uncertain significance (2). Last evaluated 2024-12-05.

Conditions:
Hereditary cancer-predisposing syndrome. Also called: Hereditary neoplastic syndrome; Neoplastic Syndromes, Hereditary; Hereditary Cancer Syndrome; Tumor predisposition. Identifiers: Orphanet 140162, MedGen C0027672, MeSH D009386, MONDO:0015356.
DICER1-related tumor predisposition. Also called: DICER1 syndrome; DICER1-related pleuropulmonary blastoma cancer predisposition syndrome. Identifiers: Orphanet 284343, MedGen C3839822, MONDO:0100216.

Allele frequency attached by ClinVar (database versions not stated): gnomAD exomes below 0.00001.
gnomAD v4.1: 3 of 1,567,352 alleles (0.00019%); highest among the groups gnomAD compares: Admixed American, 0.0017%; no homozygotes.

Submissions (2):

Ambry Genetics
Classification: Uncertain significance for Hereditary cancer-predisposing syndrome. Last evaluated: 2024-12-05. Review status: criteria provided, single submitter. Criteria: Ambry Variant Classification Scheme 2023. Collection method: clinical testing. Allele origin: germline.
Comment: The p.C284Y variant (also known as c.851G>A), located in coding exon 6 of the DICER1 gene, results from a G to A substitution at nucleotide position 851. The cysteine at codon 284 is replaced by tyrosine, an amino acid with highly dissimilar properties. This amino acid position is highly conserved in available vertebrate species. In addition, this alteration is predicted to be deleterious by in silico analysis. Based on the available evidence, the clinical significance of this variant remains unclear.

Labcorp Genetics (formerly Invitae), Labcorp
Classification: Uncertain significance for DICER1-related tumor predisposition. Last evaluated: 2020-08-15. Review status: criteria provided, single submitter. Criteria: Invitae Variant Classification Sherloc (09022015). Collection method: clinical testing. Allele origin: germline.
Comment: In summary, the available evidence is currently insufficient to determine the role of this variant in disease. Therefore, it has been classified as a Variant of Uncertain Significance. Algorithms developed to predict the effect of missense changes on protein structure and function (SIFT, PolyPhen-2, Align-GVGD) all suggest that this variant is likely to be tolerated, but these predictions have not been confirmed by published functional studies and their clinical significance is uncertain. This variant has not been reported in the literature in individuals with DICER1-related disease. This variant is not present in population databases (ExAC no frequency). This sequence change replaces cysteine with tyrosine at codon 284 of the DICER1 protein (p.Cys284Tyr). The cysteine residue is highly conserved and there is a large physicochemical difference between cysteine and tyrosine.